The following is an entry in ClinVar:

ClinVar aggregate classification (germline): Uncertain significance (1 of 4 stars; one submission).

Allele frequency attached by ClinVar (database versions not stated): gnomAD exomes below 0.00001.
gnomAD v4.1: 1 of 1,614,154 alleles (0.000062%); highest among the groups gnomAD compares: Non-Finnish European, 0.000085%; no homozygotes.

Submission:

Labcorp Genetics (formerly Invitae), Labcorp
Classification: Uncertain significance. Last evaluated: 2022-05-29. Review status: criteria provided, single submitter. Criteria: Invitae Variant Classification Sherloc (09022015). Collection method: clinical testing. Allele origin: germline.
Comment: This sequence change replaces leucine, which is neutral and non-polar, with proline, which is neutral and non-polar, at codon 243 of the SLC10A2 protein (p.Leu243Pro). This variant is present in population databases (rs121917848, gnomAD 0.0009%). This missense change has been observed in individual(s) with clinical features of primary bile acid malabsorption (PMID: 9109432, 19823678). Algorithms developed to predict the effect of missense changes on protein structure and function are either unavailable or do not agree on the potential impact of this missense change (SIFT: "Tolerated"; PolyPhen-2: "Possibly Damaging"; Align-GVGD: "Class C0"). In summary, the available evidence is currently insufficient to determine the role of this variant in disease. Therefore, it has been classified as a Variant of Uncertain Significance. Experimental studies have shown that this missense change affects SLC10A2 function (PMID: 9109432).

Literature cited by the submitters: PubMed 9109432; PubMed 19823678.

NM_000452.3(SLC10A2):c.728T>C (p.Leu243Pro)

Gene: SLC10A2 (solute carrier family 10 member 2; minus strand). Cytogenetic location: 13q33.1.
Variant type: single nucleotide variant.
Coding change: c.728T>C on transcript NM_000452.3 (MANE Select); coding-DNA position 728, T replaced by C.
Protein change: p.Leu243Pro; replaces leucine 243 with proline.
Molecular consequence: missense variant.
Genome position (GRCh38, 1-based): chr13:103,051,290, A>G on the plus strand (T>C on the coding strand, the complement: SLC10A2 is on the minus strand). VCF-style: chr13-103051290-A-G. GRCh37 (hg19) VCF-style: chr13-103703640-A-G.
Other names: short protein forms L243P.
Identifiers: ClinVar variation 242799 (VCV000242799.6), dbSNP rs121917848, ClinGen allele CA031502.